The following is an entry in ClinVar:

ClinVar aggregate classification (germline): Uncertain significance (1 of 4 stars; one submission).

Allele frequency attached by ClinVar (database versions not stated): gnomAD exomes 0.00001; TOPMed 0.00001; ExAC 0.00002; gnomAD 0.00003; 1000 Genomes Project 0.00020; 1000 Genomes Project 30x 0.00031.
gnomAD v4.1: 16 of 1,614,084 alleles (0.00099%); highest among the groups gnomAD compares: African/African-American, 0.0027%; no homozygotes.

Submission:

Labcorp Genetics (formerly Invitae), Labcorp
Classification: Uncertain significance. Last evaluated: 2025-05-05. Review status: criteria provided, single submitter. Criteria: Invitae Variant Classification Sherloc (09022015). Collection method: clinical testing. Allele origin: germline.
Comment: This sequence change replaces arginine, which is basic and polar, with tryptophan, which is neutral and slightly polar, at codon 600 of the SLC13A3 protein (p.Arg600Trp). This variant is present in population databases (rs541469278, gnomAD 0.003%). This variant has not been reported in the literature in individuals affected with SLC13A3-related conditions. ClinVar contains an entry for this variant (Variation ID: 2170817). An algorithm developed to predict the effect of missense changes on protein structure and function (PolyPhen-2) suggests that this variant is likely to be disruptive. In summary, the available evidence is currently insufficient to determine the role of this variant in disease. Therefore, it has been classified as a Variant of Uncertain Significance.

NM_022829.6(SLC13A3):c.1798C>T (p.Arg600Trp)

Gene: SLC13A3 (solute carrier family 13 member 3; minus strand). Cytogenetic location: 20q13.12.
Variant type: single nucleotide variant.
Coding change: c.1798C>T on transcript NM_022829.6 (MANE Select); coding-DNA position 1798, C replaced by T.
Protein change: p.Arg600Trp; replaces arginine 600 with tryptophan.
Molecular consequence: missense variant.
Genome position (GRCh38, 1-based): chr20:46,560,033, G>A on the plus strand (C>T on the coding strand, the complement: SLC13A3 is on the minus strand). VCF-style: chr20-46560033-G-A. GRCh37 (hg19) VCF-style: chr20-45188672-G-A.
Other names: c.1657C>T, p.Arg553Trp (NM_001011554.3); c.1648C>T, p.Arg550Trp (NM_001193339.2); c.1552C>T, p.Arg518Trp (NM_001193340.2); c.1504C>T, p.Arg502Trp (NM_001193342.2); short protein forms R553W, R600W, R502W, R550W, R518W.
Identifiers: ClinVar variation 2170817 (VCV002170817.4), dbSNP rs541469278, ClinGen allele CA9891152.
Genomic context (GRCh38, chr20:46,560,033, plus strand): 5'-TGACAGCCCTTTGAGAGGGTTCAGCCTCAAGGGAGTCCTCCAGGGGGACTCAGAGGGTCC[G>A]AAATGTGTCATTGGCCAAGGTGGGTGGCAATGCTGTGACATTGACCGAGTACATATCAGC-3'
Protein context (NP_073740.2, residues 590-602): LPPTLANDTF[Arg600Trp]TL